The following is an entry in ClinVar:

NM_005120.3(MED12):c.3827A>G (p.Asp1276Gly)

Gene: MED12 (mediator complex subunit 12; plus strand). Cytogenetic location: Xq13.1.
Variant type: single nucleotide variant.
Coding change: c.3827A>G on transcript NM_005120.3 (MANE Select); coding-DNA position 3827, A replaced by G.
Protein change: p.Asp1276Gly; replaces aspartic acid 1276 with glycine.
Molecular consequence: missense variant.
Genome position (GRCh38, 1-based): chrX:71,129,815, A>G. VCF-style: chrX-71129815-A-G. GRCh37 (hg19) VCF-style: chrX-70349665-A-G.
Other names: short protein forms D1276G.
Identifiers: ClinVar variation 2450597 (VCV002450597.2), dbSNP rs2519694032, ClinGen allele CA413522644.
Genomic context (GRCh38, chrX:71,129,815, plus strand): 5'-GTGGCAGTGGTGGTCGGAGGCAGGGTGGCCGCAACATCTCTGTGGAGACAGCCAGTCTGG[A>G]TGTCTATGCCAAGTACGTGCTGCGCAGCATCTGCCAACAGGTCAGTTTCACCTTCCTCCC-3'
Protein context (NP_005111.2, residues 1266-1286): RNISVETASL[Asp1276Gly]VYAKYVLRSI

ClinVar aggregate classification (germline): Uncertain significance (1 of 4 stars; one submission).

Conditions:
Familial thoracic aortic aneurysm and aortic dissection (TAAD). Also called: Thoracic aortic aneurysms and dissections. Identifiers: Orphanet 91387, MedGen C4707243, MONDO:0019625.

Submission:

Ambry Genetics
Classification: Uncertain significance for Familial thoracic aortic aneurysm and aortic dissection. Last evaluated: 2022-12-01. Review status: criteria provided, single submitter. Criteria: Ambry Variant Classification Scheme 2023. Collection method: clinical testing. Allele origin: germline.
Comment: The p.D1276G variant (also known as c.3827A>G), located in coding exon 27 of the MED12 gene, results from an A to G substitution at nucleotide position 3827. The aspartic acid at codon 1276 is replaced by glycine, an amino acid with similar properties. This amino acid position is conserved. In addition, this alteration is predicted to be deleterious by in silico analysis. Since supporting evidence is limited at this time, the clinical significance of this alteration remains unclear.